The following is an entry in ClinVar:

NM_001165963.4(SCN1A):c.5311A>G (p.Ile1771Val)

Genes: SCN1A (sodium voltage-gated channel alpha subunit 1; minus strand), LOC102724058 (uncharacterized LOC102724058; plus strand). Cytogenetic location: 2q24.3.
Variant type: single nucleotide variant.
Coding change: c.5311A>G on transcript NM_001165963.4 (MANE Select); coding-DNA position 5311, A replaced by G.
Protein change: p.Ile1771Val; replaces isoleucine 1771 with valine.
Molecular consequence: missense variant. On other transcripts: non-coding transcript variant (1).
Genome position (GRCh38, 1-based): chr2:165,991,964, T>C on the plus strand (A>G on the coding strand, the complement: SCN1A is on the minus strand). VCF-style: chr2-165991964-T-C. GRCh37 (hg19) VCF-style: chr2-166848474-T-C.
Other names: c.5278A>G, p.Ile1760Val (NM_001353952.2, NM_006920.6, NM_001353949.2 and 2 more transcripts); c.5275A>G, p.Ile1759Val (NM_001353954.2, NM_001353955.2); c.5227A>G, p.Ile1743Val (NM_001353957.2, NM_001353958.2, NM_001165964.3); c.5224A>G, p.Ile1742Val (NM_001353960.2); c.2869A>G, p.Ile957Val (NM_001353961.2); c.5311A>G, p.Ile1771Val (NM_001202435.3, NM_001353948.2); short protein forms I1742V, I1743V, I1759V, I1760V, I1771V, I957V.
Identifiers: ClinVar variation 4293449 (VCV004293449.1).
Genomic context (GRCh38, chr2:165,991,964, plus strand): 5'-CACTGAAGTTCTCCAGGATGACCGCGATGTACATGTTCACCACAACCAGGAAGGATATGA[T>C]GATGTAACTGACAAAAAAGAAAATTCCAACAGATGGGTTCCCACAGTCTCCCTTAACTGA-3'
Protein context (NP_001159435.1, residues 1761-1781): VGIFFFVSYI[Ile1771Val]ISFLVVVNMY

ClinVar aggregate classification (germline): Uncertain significance (1 of 4 stars; one submission).

Conditions:
SCN1A-related disorder. Also called: SCN1A-related conditions; SCN1A-related condition; SCN1A-related disorders.

Submission:

3billion
Classification: Uncertain significance for SCN1A-related disorder. Last evaluated: 2024-06-25. Review status: criteria provided, single submitter. Criteria: ACMG Guidelines, 2015. Collection method: clinical testing. Allele origin: germline. Affected: yes.
Comment: The variant is not observed in the gnomAD v4.0.0 dataset. Predicted Consequence/Location: Missense variant In silico tool predictions suggest damaging effect of the variant on gene or gene product [REVEL: 0.79 (>=0.6, sensitivity 0.68 and specificity 0.92); 3Cnet: 0.88 (>=0.6, sensitivity 0.72 and precision 0.9)]. Different missense changes at the same codon (p.Ile1771Asn, p.Ile1771Phe, p.Ile1771Ser) have been reported as pathogenic/likely pathogenic with strong evidence (ClinVar ID: VCV000852952 /PMID: 18330841, 18930999). Therefore, this variant is classified as VUS according to the recommendation of ACMG/AMP guideline.

Literature cited by the submitters: PubMed 18330841.